The following is an entry in ClinVar:

NM_024675.4(PALB2):c.1226dup (p.Tyr409Ter)

Gene: PALB2 (partner and localizer of BRCA2; minus strand). Cytogenetic location: 16p12.2.
Variant type: Duplication.
Coding change: c.1226dup on transcript NM_024675.4 (MANE Select); coding-DNA position 1226, one base duplicated (A; older notation c.1226dupA).
Protein change: p.Tyr409Ter; replaces tyrosine 409 with a stop codon.
Molecular consequence: nonsense.
Genome position (GRCh38, 1-based): chr16:23,635,320, T duplicated on the plus strand (A on the coding strand, the reverse complement: PALB2 is on the minus strand). VCF-style (leftmost placement, unchanged base first): chr16-23635319-A-AT. GRCh37 (hg19) VCF-style: chr16-23646640-A-AT.
Other names: short protein forms Y409*.
Identifiers: ClinVar variation 940836 (VCV000940836.9), dbSNP rs1966983494, ClinGen allele CA1139664618.
Genomic context (GRCh38, chr16:23,635,319, plus strand): 5'-AATGACAGCCTCCACGGCTACTTTCCTCTGGCAATTGGACATGCTTCGTGTTGTTCTAAC[A>AT]TAATATTCTGCAGGAAACAGAAGGCCTTCAGGCACTGTGCAAGAATGTTTTTCTGCAGAA-3'

ClinVar aggregate classification (germline): Pathogenic. Review status: criteria provided, multiple submitters, no conflicts (2 of 4 stars). 2 submissions from 2 submitters: Pathogenic (2). Last evaluated 2023-09-08.

Conditions:
Familial cancer of breast. Also called: hereditary breast carcinoma; BREAST CANCER, FAMILIAL; Hereditary breast cancer. Identifiers: Orphanet 227535, MedGen C0346153, MONDO:0016419, OMIM 114480. Disease mechanism: loss of function.

Submissions (2):

Myriad Genetics, Inc.
Classification: Pathogenic for Familial cancer of breast. Last evaluated: 2023-09-08. Review status: criteria provided, single submitter. Criteria: Myriad Autosomal Dominant, Autosomal Recessive and X-Linked Classification Criteria (2023). Collection method: clinical testing. Allele origin: unknown.
Comment: This variant is considered pathogenic. This variant creates a termination codon and is predicted to result in premature protein truncation.

Labcorp Genetics (formerly Invitae), Labcorp
Classification: Pathogenic for Familial cancer of breast. Last evaluated: 2019-09-26. Review status: criteria provided, single submitter. Criteria: Invitae Variant Classification Sherloc (09022015). Collection method: clinical testing. Allele origin: germline.
Comment: For these reasons, this variant has been classified as Pathogenic. Loss-of-function variants in PALB2 are known to be pathogenic (PMID: 17200668, 24136930, 25099575). This variant has not been reported in the literature in individuals with PALB2-related conditions. This variant is not present in population databases (ExAC no frequency). This sequence change creates a premature translational stop signal (p.Tyr409*) in the PALB2 gene. It is expected to result in an absent or disrupted protein product.

Literature cited by the submitters: PubMed 17200668 (cited by Labcorp Genetics (formerly Invitae), Labcorp); PubMed 24136930 (cited by Labcorp Genetics (formerly Invitae), Labcorp); PubMed 25099575 (cited by Labcorp Genetics (formerly Invitae), Labcorp).